The following is an entry in ClinVar:

NM_003924.4(PHOX2B):c.216C>A (p.Asp72Glu)

Genes: PHOX2B (paired like homeobox 2B; minus strand), PHOX2B-AS1 (PHOX2B antisense RNA 1; plus strand). Cytogenetic location: 4p13.
Variant type: single nucleotide variant.
Coding change: c.216C>A on transcript NM_003924.4 (MANE Select); coding-DNA position 216, C replaced by A.
Protein change: p.Asp72Glu; replaces aspartic acid 72 with glutamic acid.
Molecular consequence: missense variant. On other transcripts: non-coding transcript variant (1).
Genome position (GRCh38, 1-based): chr4:41,748,395, G>T on the plus strand (C>A on the coding strand, the complement: PHOX2B is on the minus strand). VCF-style: chr4-41748395-G-T. GRCh37 (hg19) VCF-style: chr4-41750412-G-T.
Other names: short protein forms D72E.
Identifiers: ClinVar variation 5026637 (VCV005026637.1).

ClinVar aggregate classification (germline): Uncertain significance (1 of 4 stars; one submission).

Conditions:
Hereditary cancer-predisposing syndrome. Also called: Neoplastic Syndromes, Hereditary; Tumor predisposition; Hereditary neoplastic syndrome; Hereditary Cancer Syndrome. Identifiers: Orphanet 140162, MedGen C0027672, MeSH D009386, MONDO:0015356.

Submission:

Ambry Genetics
Classification: Uncertain significance for Hereditary cancer-predisposing syndrome. Last evaluated: 2026-09-08. Review status: criteria provided, single submitter. Criteria: Ambry Variant Classification Scheme 2023. Collection method: clinical testing. Allele origin: germline.
Comment: The p.D72E variant (also known as c.216C>A), located in coding exon 1 of the PHOX2B gene, results from a C to A substitution at nucleotide position 216. The aspartic acid at codon 72 is replaced by glutamic acid, an amino acid with highly similar properties. This amino acid position is conserved. In addition, the in silico prediction for this alteration is inconclusive. Based on the available evidence, the clinical significance of this variant remains unclear.